The following is an entry in ClinVar:

NM_000038.6(APC):c.4520G>A (p.Ser1507Asn)

Gene: APC (APC regulator of Wnt signaling pathway; plus strand). Cytogenetic location: 5q22.2.
Variant type: single nucleotide variant.
Coding change: c.4520G>A on transcript NM_000038.6 (MANE Select); coding-DNA position 4520, G replaced by A.
Protein change: p.Ser1507Asn; replaces serine 1507 with asparagine.
Molecular consequence: missense variant.
Genome position (GRCh38, 1-based): chr5:112,840,114, G>A. VCF-style: chr5-112840114-G-A. GRCh37 (hg19) VCF-style: chr5-112175811-G-A.
Other names: c.4520G>A, p.Ser1507Asn (NM_001127510.3, NM_001354895.2); c.4466G>A, p.Ser1489Asn (NM_001127511.3); c.4574G>A, p.Ser1525Asn (NM_001354896.2); c.4550G>A, p.Ser1517Asn (NM_001354897.2); c.4445G>A, p.Ser1482Asn (NM_001354898.2); c.4436G>A, p.Ser1479Asn (NM_001354899.2); c.4397G>A, p.Ser1466Asn (NM_001354900.2); c.4343G>A, p.Ser1448Asn (NM_001354901.2); and 5 more; short protein forms S1224N, S1406N, S1416N, S1507N, S1466N, S1479N, S1482N, S1525N.
Identifiers: ClinVar variation 926366 (VCV000926366.7), dbSNP rs1427083768, ClinGen allele CA16031221.

ClinVar aggregate classification (germline): Uncertain significance. Review status: criteria provided, multiple submitters, no conflicts (2 of 4 stars). 3 submissions from 3 submitters: Uncertain significance (3). Last evaluated 2024-08-27.

Conditions:
Hereditary cancer-predisposing syndrome. Also called: Neoplastic Syndromes, Hereditary; Tumor predisposition; Hereditary Cancer Syndrome; Hereditary neoplastic syndrome. Identifiers: Orphanet 140162, MedGen C0027672, MeSH D009386, MONDO:0015356.
Familial adenomatous polyposis 1 (FAP1). Also called: FAMILIAL ADENOMATOUS POLYPOSIS 1, ATTENUATED; POLYPOSIS, ADENOMATOUS INTESTINAL. Identifiers: MedGen C2713442, MONDO:0021056, OMIM 175100. Disease mechanism: loss of function.

Submissions (3):

Ambry Genetics
Classification: Uncertain significance for Hereditary cancer-predisposing syndrome. Last evaluated: 2024-08-27. Review status: criteria provided, single submitter. Criteria: Ambry Variant Classification Scheme 2023. Collection method: clinical testing. Allele origin: germline.
Comment: The p.S1507N variant (also known as c.4520G>A), located in coding exon 15 of the APC gene, results from a G to A substitution at nucleotide position 4520. The serine at codon 1507 is replaced by asparagine, an amino acid with highly similar properties. This amino acid position is highly conserved in available vertebrate species. In addition, in silico predictors for this gene do not accurately predict pathogenicity. Missense alterations in APC are not a common cause of disease (Spier I et al. Genet Med. 2024 Feb;26(2):100992). Based on the available evidence, the clinical significance of this variant remains unclear.

Labcorp Genetics (formerly Invitae), Labcorp
Classification: Uncertain significance for Familial adenomatous polyposis 1. Last evaluated: 2024-05-02. Review status: criteria provided, single submitter. Criteria: Invitae Variant Classification Sherloc (09022015). Collection method: clinical testing. Allele origin: germline.
Comment: This sequence change replaces serine, which is neutral and polar, with asparagine, which is neutral and polar, at codon 1507 of the APC protein (p.Ser1507Asn). This variant is not present in population databases (gnomAD no frequency). This variant has not been reported in the literature in individuals affected with APC-related conditions. ClinVar contains an entry for this variant (Variation ID: 926366). Advanced modeling of protein sequence and biophysical properties (such as structural, functional, and spatial information, amino acid conservation, physicochemical variation, residue mobility, and thermodynamic stability) performed at Invitae indicates that this missense variant is not expected to disrupt APC protein function with a negative predictive value of 95%. In summary, the available evidence is currently insufficient to determine the role of this variant in disease. Therefore, it has been classified as a Variant of Uncertain Significance.

Color Diagnostics, LLC DBA Color Health
Classification: Uncertain significance for Hereditary cancer-predisposing syndrome. Last evaluated: 2023-12-04. Review status: criteria provided, single submitter. Criteria: ACMG Guidelines, 2015. Collection method: clinical testing. Allele origin: germline.
Comment: This missense variant replaces serine with asparagine at codon 1507 of the APC protein. Computational prediction is inconclusive regarding the impact of this variant on protein structure and function (internally defined REVEL score threshold 0.5 < inconclusive < 0.7, PMID: 27666373). To our knowledge, functional studies have not been reported for this variant. This variant has not been reported in individuals affected with APC-related disorders in the literature. This variant has not been identified in the general population by the Genome Aggregation Database (gnomAD). The available evidence is insufficient to determine the role of this variant in disease conclusively. Therefore, this variant is classified as a Variant of Uncertain Significance.